The following is an entry in ClinVar:

NM_006766.5(KAT6A):c.247C>T (p.Pro83Ser)

Gene: KAT6A (lysine acetyltransferase 6A; minus strand). Cytogenetic location: 8p11.21.
Variant type: single nucleotide variant.
Coding change: c.247C>T on transcript NM_006766.5 (MANE Select); coding-DNA position 247, C replaced by T.
Protein change: p.Pro83Ser; replaces proline 83 with serine.
Molecular consequence: missense variant.
Genome position (GRCh38, 1-based): chr8:42,048,731, G>A on the plus strand (C>T on the coding strand, the complement: KAT6A is on the minus strand). VCF-style: chr8-42048731-G-A. GRCh37 (hg19) VCF-style: chr8-41906249-G-A.
Other names: c.247C>T, p.Pro83Ser (NM_001305878.2); short protein forms P83S.
Identifiers: ClinVar variation 373381 (VCV000373381.14), dbSNP rs1057518385, ClinGen allele CA16042618.

ClinVar aggregate classification (germline): Conflicting classifications of pathogenicity. Review status: criteria provided, conflicting classifications (1 of 4 stars). 3 submissions from 3 submitters: Uncertain significance (2); Benign (1). Last evaluated 2025-09-02.

Allele frequency attached by ClinVar (database versions not stated): TOPMed below 0.00001.

Submissions (3):

Labcorp Genetics (formerly Invitae), Labcorp
Classification: Benign. Last evaluated: 2025-09-02. Review status: criteria provided, single submitter. Criteria: Invitae Variant Classification Sherloc (09022015). Collection method: clinical testing. Allele origin: germline.

CeGaT Center for Human Genetics Tuebingen
Classification: Uncertain significance. Last evaluated: 2025-04-01. Review status: criteria provided, single submitter. Criteria: CeGaT Center For Human Genetics Tuebingen Variant Classification Criteria Version 2. Collection method: clinical testing. Allele origin: germline. Affected: yes. Observed: 1 variant allele.
Comment: KAT6A: PM2

GeneDx
Classification: Uncertain significance. Last evaluated: 2016-11-18. Review status: criteria provided, single submitter. Criteria: GeneDx Variant Classification (06012015). Collection method: clinical testing. Allele origin: germline. Affected: yes.
Comment: The P83S variant in the KAT6A gene has not been reported previously as a pathogenic variant, nor as a benign variant, to our knowledge. The P83S variant was not observed in approximately 6500 individuals of European and African American ancestry in the NHLBI Exome Sequencing Project, indicating it is not a common benign variant in these populations. The P83S variant is a non-conservative amino acid substitution, which is likely to impact secondary protein structure as these residues differ in polarity, charge, size and/or other properties. This substitution occurs at a position that is conserved in mammals. In silico analysis predicts this variant is probably damaging to the protein structure/function. We interpret P83S as a variant of uncertain significance.